The following is an entry in ClinVar:

ClinVar aggregate classification (germline): Uncertain significance. Review status: criteria provided, multiple submitters, no conflicts (2 of 4 stars). 2 submissions from 2 submitters: Uncertain significance (2). Last evaluated 2025-05-04.

Conditions:
Cardiovascular phenotype. Identifiers: MedGen CN230736.
Dilated cardiomyopathy 1J (CMD1J). Also called: CARDIOMYOPATHY, DILATED, WITH SENSORINEURAL HEARING LOSS, AUTOSOMAL DOMINANT. Identifiers: Orphanet 217622, MedGen C1854368, MONDO:0011541, OMIM 605362.

gnomAD v4.1: 6 of 1,610,326 alleles (0.00037%); highest among the groups gnomAD compares: Non-Finnish European, 0.00042%; no homozygotes.

Submissions (2):

Labcorp Genetics (formerly Invitae), Labcorp
Classification: Uncertain significance for Dilated cardiomyopathy 1J. Last evaluated: 2025-05-04. Review status: criteria provided, single submitter. Criteria: Invitae Variant Classification Sherloc (09022015). Collection method: clinical testing. Allele origin: germline.
Comment: This sequence change replaces threonine, which is neutral and polar, with methionine, which is neutral and non-polar, at codon 261 of the EYA4 protein (p.Thr261Met). This variant is not present in population databases (gnomAD no frequency). This variant has not been reported in the literature in individuals affected with EYA4-related conditions. ClinVar contains an entry for this variant (Variation ID: 644230). Invitae Evidence Modeling of protein sequence and biophysical properties (such as structural, functional, and spatial information, amino acid conservation, physicochemical variation, residue mobility, and thermodynamic stability) indicates that this missense variant is not expected to disrupt EYA4 protein function with a negative predictive value of 80%. In summary, the available evidence is currently insufficient to determine the role of this variant in disease. Therefore, it has been classified as a Variant of Uncertain Significance.

Ambry Genetics
Classification: Uncertain significance for Cardiovascular phenotype. Last evaluated: 2023-11-04. Review status: criteria provided, single submitter. Criteria: Ambry Variant Classification Scheme 2023. Collection method: clinical testing. Allele origin: germline.
Comment: The p.T261M variant (also known as c.782C>T), located in coding exon 9 of the EYA4 gene, results from a C to T substitution at nucleotide position 782. The threonine at codon 261 is replaced by methionine, an amino acid with similar properties. This amino acid position is highly conserved in available vertebrate species. In addition, this alteration is predicted to be deleterious by in silico analysis. Since supporting evidence is limited at this time, the clinical significance of this alteration remains unclear.

NM_004100.5(EYA4):c.782C>T (p.Thr261Met)

Gene: EYA4 (EYA transcriptional coactivator and phosphatase 4; plus strand). Cytogenetic location: 6q23.2.
Variant type: single nucleotide variant.
Coding change: c.782C>T on transcript NM_004100.5 (MANE Select); coding-DNA position 782, C replaced by T.
Protein change: p.Thr261Met; replaces threonine 261 with methionine.
Molecular consequence: missense variant.
Genome position (GRCh38, 1-based): chr6:133,464,836, C>T. VCF-style: chr6-133464836-C-T. GRCh37 (hg19) VCF-style: chr6-133785974-C-T.
Other names: c.620C>T, p.Thr207Met (NM_001301012.2, NM_001370459.1); c.782C>T, p.Thr261Met (NM_001301013.2, NM_172105.4); c.713C>T, p.Thr238Met (NM_001370458.1, NM_172103.4); short protein forms T238M, T261M, T207M.
Identifiers: ClinVar variation 644230 (VCV000644230.10), dbSNP rs959547878, ClinGen allele CA148049881.
Genomic context (GRCh38, chr6:133,464,836, plus strand): 5'-TAGGTTCTAGTTTTGCACCATCATCTACTATTTATGCAAATAATTCAGTTTCCAATTCAA[C>T]GAATTTCAGTGGTTCACAACAGGTATAGTAGCTTTTTGTGTTTATGCTTTTTATATGTAT-3'
Protein context (NP_004091.3, residues 251-271): IYANNSVSNS[Thr261Met]NFSGSQQDYP